The following is an entry in ClinVar:

NM_014425.5(INVS):c.832A>G (p.Asn278Asp)

Gene: INVS (inversin; plus strand). Cytogenetic location: 9q31.1.
Variant type: single nucleotide variant.
Coding change: c.832A>G on transcript NM_014425.5 (MANE Select); coding-DNA position 832, A replaced by G.
Protein change: p.Asn278Asp; replaces asparagine 278 with aspartic acid.
Molecular consequence: missense variant. On other transcripts: 5 prime UTR variant (1), non-coding transcript variant (1).
Genome position (GRCh38, 1-based): chr9:100,242,605, A>G. VCF-style: chr9-100242605-A-G. GRCh37 (hg19) VCF-style: chr9-103004887-A-G.
Other names: c.544A>G, p.Asn182Asp (NM_001318381.2); c.-158A>G (NM_001318382.2); short protein forms N278D, N182D.
Identifiers: ClinVar variation 2135178 (VCV002135178.4), dbSNP rs2491244994, ClinGen allele CA374361941.

ClinVar aggregate classification (germline): Uncertain significance (1 of 4 stars; one submission).

Conditions:
Nephronophthisis. Also called: Juvenile Nephronophthisis. Identifiers: Orphanet 655, MedGen C0687120, MONDO:0019005, HP:0000090.

gnomAD v4.1: 1 of 1,611,808 alleles (0.000062%); highest among the groups gnomAD compares: South Asian, 0.0011%; no homozygotes.

Submission:

Labcorp Genetics (formerly Invitae), Labcorp
Classification: Uncertain significance for Nephronophthisis. Last evaluated: 2022-05-07. Review status: criteria provided, single submitter. Criteria: Invitae Variant Classification Sherloc (09022015). Collection method: clinical testing. Allele origin: germline.
Comment: In summary, the available evidence is currently insufficient to determine the role of this variant in disease. Therefore, it has been classified as a Variant of Uncertain Significance. This sequence change replaces asparagine, which is neutral and polar, with aspartic acid, which is acidic and polar, at codon 278 of the INVS protein (p.Asn278Asp). Algorithms developed to predict the effect of missense changes on protein structure and function are either unavailable or do not agree on the potential impact of this missense change (SIFT: "Deleterious"; PolyPhen-2: "Possibly Damaging"; Align-GVGD: "Class C15"). This variant is not present in population databases (gnomAD no frequency). This variant has not been reported in the literature in individuals affected with INVS-related conditions.